The following is an entry in ClinVar:

ClinVar aggregate classification (germline): Likely benign. Review status: criteria provided, single submitter (1 of 4 stars). 2 submissions from 2 submitters: Likely benign (1). 1 of the submissions does not count toward it. Last evaluated 2026-02-03.

Conditions:
Charcot-Marie-Tooth disease type 2. Also called: Charcot-Marie-Tooth type 2. Identifiers: Orphanet 64746, MedGen C0270914, MONDO:0018993.
KIF1B-related disorder. Also called: KIF1B-related condition.

Allele frequency attached by ClinVar (database versions not stated): gnomAD 0.00019 and 0.00018; TOPMed 0.00029; 1000 Genomes Project 30x 0.00047; ESP Exome Variant Server 0.00054; gnomAD exomes 0.00007; ExAC 0.00010; 1000 Genomes Project 0.00040.
gnomAD v4.1: 55 of 1,573,338 alleles (0.0035%); highest among the groups gnomAD compares: African/African-American, 0.07%; no homozygotes.

Submissions (2):

Labcorp Genetics (formerly Invitae), Labcorp
Classification: Likely benign for Charcot-Marie-Tooth disease type 2. Last evaluated: 2026-02-03. Review status: criteria provided, single submitter. Criteria: Invitae Variant Classification Sherloc (09022015). Collection method: clinical testing. Allele origin: germline.

PreventionGenetics, part of Exact Sciences
Classification: Likely benign for KIF1B-related condition. Last evaluated: 2022-11-21. Review status: no assertion criteria provided. Collection method: clinical testing. Allele origin: germline. Not counted in ClinVar's aggregate classification.
Comment: This variant is classified as likely benign based on ACMG/AMP sequence variant interpretation guidelines (Richards et al. 2015 PMID: 25741868, with internal and published modifications).

NM_001365951.3(KIF1B):c.106+10T>A

Genes: KIF1B (kinesin family member 1B; plus strand), LOC129388446 (MPRA-validated peak64 silencer; plus strand). Cytogenetic location: 1p36.22.
Variant type: single nucleotide variant.
Coding change: c.106+10T>A on transcript NM_001365951.3 (MANE Select); 10 bases into the intron after coding-DNA position 106, T replaced by A.
Molecular consequence: intron variant.
Genome position (GRCh38, 1-based): chr1:10,232,444, T>A. VCF-style: chr1-10232444-T-A. GRCh37 (hg19) VCF-style: chr1-10292502-T-A.
Other names: c.106+10T>A (NM_183416.4, NM_015074.3, NM_001365952.1 and 1 more transcripts).
Identifiers: ClinVar variation 1130095 (VCV001130095.11), dbSNP rs368714043, ClinGen allele CA580606.